The following is an entry in ClinVar:

NM_001366145.2(TRPM3):c.88A>G (p.Met30Val)

Gene: TRPM3 (transient receptor potential cation channel subfamily M member 3; minus strand). Cytogenetic location: 9q21.12.
Variant type: single nucleotide variant.
Coding change: c.88A>G on transcript NM_001366145.2 (MANE Select); coding-DNA position 88, A replaced by G.
Protein change: p.Met30Val; replaces methionine 30 with valine.
Molecular consequence: missense variant. On other transcripts: intron variant (4).
Genome position (GRCh38, 1-based): chr9:71,121,267, T>C on the plus strand (A>G on the coding strand, the complement: TRPM3 is on the minus strand). VCF-style: chr9-71121267-T-C. GRCh37 (hg19) VCF-style: chr9-73736183-T-C.
Other names: c.88A>G, p.Met30Val (NM_001007471.4, NM_001366146.2, NM_001366147.2 and 6 more transcripts); c.184-256756A>G (NM_001366143.2, NM_001366141.2, NM_001366142.2 and 1 more transcripts); short protein forms M30V.
Identifiers: ClinVar variation 3765731 (VCV003765731.1).
Genomic context (GRCh38, chr9:71,121,267, plus strand): 5'-CTGCGTGGCACAGCTTCCGGATGGTCCAGTTTAGGGGTCGAGGAGCATCAGCCTGATTCA[T>C]GACCCCTTCCAAATTCCACCAGGAAAACAAGAAACTGAAAACCTGAGCAATGCCTAGAAA-3'
Protein context (NP_001353074.1, residues 20-40): LFSWWNLEGV[Met30Val]NQADAPRPLN

ClinVar aggregate classification (germline): Uncertain significance (1 of 4 stars; one submission).

Submission:

Greenwood Genetic Center Diagnostic Laboratories, Greenwood Genetic Center
Classification: Uncertain significance. Last evaluated: 2024-10-27. Review status: criteria provided, single submitter. Criteria: ACMG Guidelines, 2015. Collection method: clinical testing. Allele origin: germline. Affected: yes.
Comment: PM2, BP4, PP2